The following is an entry in ClinVar:

ClinVar aggregate classification (germline): Uncertain significance (1 of 4 stars; one submission).

Conditions:
Cardiovascular phenotype. Identifiers: MedGen CN230736.

gnomAD v4.1: 4 of 1,614,030 alleles (0.00025%); highest among the groups gnomAD compares: South Asian, 0.0022%; no homozygotes.

Submission:

Ambry Genetics
Classification: Uncertain significance for Cardiovascular phenotype. Last evaluated: 2024-04-19. Review status: criteria provided, single submitter. Criteria: Ambry Variant Classification Scheme 2023. Collection method: clinical testing. Allele origin: germline.
Comment: The p.V1874I variant (also known as c.5620G>A), located in coding exon 34 of the FLNC gene, results from a G to A substitution at nucleotide position 5620. The valine at codon 1874 is replaced by isoleucine, an amino acid with highly similar properties. This amino acid position is conserved. In addition, the in silico prediction for this alteration is inconclusive. Based on the available evidence, the clinical significance of this variant remains unclear.

NM_001458.5(FLNC):c.5620G>A (p.Val1874Ile)

Genes: FLNC (filamin C; plus strand), FLNC-AS1 (FLNC antisense RNA 1; minus strand). Cytogenetic location: 7q32.1.
Variant type: single nucleotide variant.
Coding change: c.5620G>A on transcript NM_001458.5 (MANE Select); coding-DNA position 5620, G replaced by A.
Protein change: p.Val1874Ile; replaces valine 1874 with isoleucine.
Molecular consequence: missense variant.
Genome position (GRCh38, 1-based): chr7:128,851,312, G>A. VCF-style: chr7-128851312-G-A. GRCh37 (hg19) VCF-style: chr7-128491366-G-A.
Other names: c.5521G>A, p.Val1841Ile (NM_001127487.2); short protein forms V1841I, V1874I.
Identifiers: ClinVar variation 3279215 (VCV003279215.1).